The following is an entry in ClinVar:

ClinVar aggregate classification (germline): Conflicting classifications of pathogenicity. Review status: criteria provided, conflicting classifications (1 of 4 stars). 2 submissions from 2 submitters: Uncertain significance (1); Likely benign (1). Last evaluated 2023-05-27.

Allele frequency attached by ClinVar (database versions not stated): TOPMed 0.00003; gnomAD exomes 0.00004 and 0.00008; ExAC 0.00007; gnomAD 0.00009.
gnomAD v4.1: 71 of 1,613,896 alleles (0.0044%); highest among the groups gnomAD compares: African/African-American, 0.004%; no homozygotes.

Submissions (2):

Labcorp Genetics (formerly Invitae), Labcorp
Classification: Uncertain significance. Last evaluated: 2023-05-27. Review status: criteria provided, single submitter. Criteria: Invitae Variant Classification Sherloc (09022015). Collection method: clinical testing. Allele origin: germline.
Comment: In summary, the available evidence is currently insufficient to determine the role of this variant in disease. Therefore, it has been classified as a Variant of Uncertain Significance. An algorithm developed to predict the effect of missense changes on protein structure and function (PolyPhen-2) suggests that this variant is likely to be disruptive. ClinVar contains an entry for this variant (Variation ID: 1513001). This variant has not been reported in the literature in individuals affected with LRRC8A-related conditions. This variant is present in population databases (rs766749712, gnomAD 0.08%), and has an allele count higher than expected for a pathogenic variant. This sequence change replaces glycine, which is neutral and non-polar, with serine, which is neutral and polar, at codon 705 of the LRRC8A protein (p.Gly705Ser).

Laboratorio de Genetica e Diagnostico Molecular, Hospital Israelita Albert Einstein
Classification: Likely benign. Last evaluated: 2019-12-17. Review status: criteria provided, single submitter. Criteria: ACMG Guidelines, 2015. Collection method: clinical testing. Allele origin: germline. Affected: yes.
Comment: ACMG classification criteria: BS2, BP4

NM_019594.4(LRRC8A):c.2113G>A (p.Gly705Ser)

Gene: LRRC8A (leucine rich repeat containing 8 VRAC subunit A; plus strand). Cytogenetic location: 9q34.11.
Variant type: single nucleotide variant.
Coding change: c.2113G>A on transcript NM_019594.4 (MANE Select); coding-DNA position 2113, G replaced by A.
Protein change: p.Gly705Ser; replaces glycine 705 with serine.
Molecular consequence: missense variant.
Genome position (GRCh38, 1-based): chr9:128,909,277, G>A. VCF-style: chr9-128909277-G-A. GRCh37 (hg19) VCF-style: chr9-131671556-G-A.
Other names: c.2113G>A, p.Gly705Ser (NM_001127244.2, NM_001127245.2); short protein forms G705S.
Identifiers: ClinVar variation 1513001 (VCV001513001.10), dbSNP rs766749712, ClinGen allele CA5270993.